The following is an entry in ClinVar:

ClinVar aggregate classification (germline): Benign. Review status: criteria provided, multiple submitters, no conflicts (2 of 4 stars). 2 submissions from 2 submitters: Benign (2). Last evaluated 2016-03-28.

Allele frequency attached by ClinVar (database versions not stated): ESP Exome Variant Server 0.07304; gnomAD exomes 0.08505 and 0.11467; gnomAD 0.08966 and 0.09069; TOPMed 0.09100; 1000 Genomes Project 30x 0.09853; 1000 Genomes Project 0.10164; ExAC 0.10489.
gnomAD v4.1: 136,670 of 1,592,650 alleles (8.6%); highest among the groups gnomAD compares: Admixed American, 22%; 7,084 homozygotes.

Submissions 1 to 32 of 46:

Laboratory for Molecular Medicine, Mass General Brigham Personalized Medicine
Classification: Benign. Last evaluated: 2016-03-28. Review status: criteria provided, single submitter. Criteria: LMM Criteria. Collection method: clinical testing. Allele origin: germline.
Comment: Variant identified in a genome or exome case(s) and assessed due to predicted null impact of the variant or pathogenic assertions in the literature or databases. Disclaimer: This variant has not undergone full assessment. The following are preliminary notes: Frequency

Breakthrough Genomics
Classification: Benign. Review status: criteria provided, single submitter. Criteria: ACMG Guidelines, 2015. Collection method: not provided. Allele origin: germline. Inheritance: Unknown mechanism. Affected: yes.

Dr. Peter K. Rogan Lab, Western University
No classification provided (evidence only). Condition: Acute myeloid leukemia. Review status: no classification provided. Collection method: in vitro. Allele origin: not applicable. Functional consequence: retained intron. Not counted in ClinVar's aggregate classification.

Dr. Peter K. Rogan Lab, Western University
No classification provided (evidence only). Condition: Acute myeloid leukemia. Review status: no classification provided. Collection method: in vitro. Allele origin: not applicable. Functional consequence: retained intron. Not counted in ClinVar's aggregate classification.

Dr. Peter K. Rogan Lab, Western University
No classification provided (evidence only). Condition: Acute myeloid leukemia. Review status: no classification provided. Collection method: in vitro. Allele origin: not applicable. Functional consequence: retained intron. Not counted in ClinVar's aggregate classification.

Dr. Peter K. Rogan Lab, Western University
No classification provided (evidence only). Condition: Acute myeloid leukemia. Review status: no classification provided. Collection method: in vitro. Allele origin: not applicable. Functional consequence: retained intron. Not counted in ClinVar's aggregate classification.

Dr. Peter K. Rogan Lab, Western University
No classification provided (evidence only). Condition: Acute myeloid leukemia. Review status: no classification provided. Collection method: in vitro. Allele origin: not applicable. Functional consequence: retained intron. Not counted in ClinVar's aggregate classification.

Dr. Peter K. Rogan Lab, Western University
No classification provided (evidence only). Condition: Acute myeloid leukemia. Review status: no classification provided. Collection method: in vitro. Allele origin: not applicable. Functional consequence: retained intron. Not counted in ClinVar's aggregate classification.

Dr. Peter K. Rogan Lab, Western University
No classification provided (evidence only). Condition: Acute myeloid leukemia. Review status: no classification provided. Collection method: in vitro. Allele origin: not applicable. Functional consequence: retained intron. Not counted in ClinVar's aggregate classification.

Dr. Peter K. Rogan Lab, Western University
No classification provided (evidence only). Condition: Acute myeloid leukemia. Review status: no classification provided. Collection method: in vitro. Allele origin: not applicable. Functional consequence: retained intron. Not counted in ClinVar's aggregate classification.

Dr. Peter K. Rogan Lab, Western University
No classification provided (evidence only). Condition: Acute myeloid leukemia. Review status: no classification provided. Collection method: in vitro. Allele origin: not applicable. Functional consequence: retained intron. Not counted in ClinVar's aggregate classification.

Dr. Peter K. Rogan Lab, Western University
No classification provided (evidence only). Condition: Acute myeloid leukemia. Review status: no classification provided. Collection method: in vitro. Allele origin: not applicable. Functional consequence: retained intron. Not counted in ClinVar's aggregate classification.

Dr. Peter K. Rogan Lab, Western University
No classification provided (evidence only). Condition: Acute myeloid leukemia. Review status: no classification provided. Collection method: in vitro. Allele origin: not applicable. Functional consequence: retained intron. Not counted in ClinVar's aggregate classification.

Dr. Peter K. Rogan Lab, Western University
No classification provided (evidence only). Condition: Acute myeloid leukemia. Review status: no classification provided. Collection method: in vitro. Allele origin: not applicable. Functional consequence: retained intron. Not counted in ClinVar's aggregate classification.

Dr. Peter K. Rogan Lab, Western University
No classification provided (evidence only). Condition: Acute myeloid leukemia. Review status: no classification provided. Collection method: in vitro. Allele origin: not applicable. Functional consequence: retained intron. Not counted in ClinVar's aggregate classification.

Dr. Peter K. Rogan Lab, Western University
No classification provided (evidence only). Condition: Acute myeloid leukemia. Review status: no classification provided. Collection method: in vitro. Allele origin: not applicable. Functional consequence: retained intron. Not counted in ClinVar's aggregate classification.

Dr. Peter K. Rogan Lab, Western University
No classification provided (evidence only). Condition: Acute myeloid leukemia. Review status: no classification provided. Collection method: in vitro. Allele origin: not applicable. Functional consequence: retained intron. Not counted in ClinVar's aggregate classification.

Dr. Peter K. Rogan Lab, Western University
No classification provided (evidence only). Condition: Malignant lymphoma, large B-cell, diffuse. Review status: no classification provided. Collection method: in vitro. Allele origin: not applicable. Functional consequence: retained intron. Not counted in ClinVar's aggregate classification.

Dr. Peter K. Rogan Lab, Western University
No classification provided (evidence only). Condition: Malignant lymphoma, large B-cell, diffuse. Review status: no classification provided. Collection method: in vitro. Allele origin: not applicable. Functional consequence: retained intron. Not counted in ClinVar's aggregate classification.

Dr. Peter K. Rogan Lab, Western University
No classification provided (evidence only). Condition: Malignant lymphoma, large B-cell, diffuse. Review status: no classification provided. Collection method: in vitro. Allele origin: not applicable. Functional consequence: retained intron. Not counted in ClinVar's aggregate classification.

Dr. Peter K. Rogan Lab, Western University
No classification provided (evidence only). Condition: Thymoma. Review status: no classification provided. Collection method: in vitro. Allele origin: not applicable. Functional consequence: retained intron. Not counted in ClinVar's aggregate classification.

Dr. Peter K. Rogan Lab, Western University
No classification provided (evidence only). Condition: Familial pancreatic carcinoma. Review status: no classification provided. Collection method: in vitro. Allele origin: not applicable. Functional consequence: retained intron. Not counted in ClinVar's aggregate classification.

Dr. Peter K. Rogan Lab, Western University
No classification provided (evidence only). Condition: Familial pancreatic carcinoma. Review status: no classification provided. Collection method: in vitro. Allele origin: not applicable. Functional consequence: retained intron. Not counted in ClinVar's aggregate classification.

Dr. Peter K. Rogan Lab, Western University
No classification provided (evidence only). Condition: Familial pancreatic carcinoma. Review status: no classification provided. Collection method: in vitro. Allele origin: not applicable. Functional consequence: retained intron. Not counted in ClinVar's aggregate classification.

Dr. Peter K. Rogan Lab, Western University
No classification provided (evidence only). Condition: Familial pancreatic carcinoma. Review status: no classification provided. Collection method: in vitro. Allele origin: not applicable. Functional consequence: retained intron. Not counted in ClinVar's aggregate classification.

Dr. Peter K. Rogan Lab, Western University
No classification provided (evidence only). Condition: Familial pancreatic carcinoma. Review status: no classification provided. Collection method: in vitro. Allele origin: not applicable. Functional consequence: retained intron. Not counted in ClinVar's aggregate classification.

Dr. Peter K. Rogan Lab, Western University
No classification provided (evidence only). Condition: Familial pancreatic carcinoma. Review status: no classification provided. Collection method: in vitro. Allele origin: not applicable. Functional consequence: retained intron. Not counted in ClinVar's aggregate classification.

Dr. Peter K. Rogan Lab, Western University
No classification provided (evidence only). Condition: Familial pancreatic carcinoma. Review status: no classification provided. Collection method: in vitro. Allele origin: not applicable. Functional consequence: retained intron. Not counted in ClinVar's aggregate classification.

Dr. Peter K. Rogan Lab, Western University
No classification provided (evidence only). Condition: Familial pancreatic carcinoma. Review status: no classification provided. Collection method: in vitro. Allele origin: not applicable. Functional consequence: retained intron. Not counted in ClinVar's aggregate classification.

Dr. Peter K. Rogan Lab, Western University
No classification provided (evidence only). Condition: Familial pancreatic carcinoma. Review status: no classification provided. Collection method: in vitro. Allele origin: not applicable. Functional consequence: retained intron. Not counted in ClinVar's aggregate classification.

Dr. Peter K. Rogan Lab, Western University
No classification provided (evidence only). Condition: Hepatocellular carcinoma. Review status: no classification provided. Collection method: in vitro. Allele origin: not applicable. Functional consequence: retained intron. Not counted in ClinVar's aggregate classification.

Dr. Peter K. Rogan Lab, Western University
No classification provided (evidence only). Condition: Hepatocellular carcinoma. Review status: no classification provided. Collection method: in vitro. Allele origin: not applicable. Functional consequence: retained intron. Not counted in ClinVar's aggregate classification.

NM_003902.5(FUBP1):c.1042-8C>G

Gene: FUBP1 (far upstream element binding protein 1; minus strand). Cytogenetic location: 1p31.1.
Variant type: single nucleotide variant.
Coding change: c.1042-8C>G on transcript NM_003902.5 (MANE Select); 8 bases into the intron before coding-DNA position 1042, C replaced by G.
Molecular consequence: intron variant.
Genome position (GRCh38, 1-based): chr1:77,963,723, G>C on the plus strand (C>G on the coding strand, the complement: FUBP1 is on the minus strand). VCF-style: chr1-77963723-G-C. GRCh37 (hg19) VCF-style: chr1-78429408-G-C.
Other names: c.1039-8C>G (NM_001376056.1, NM_001376057.1); c.1102-8C>G (NM_001376055.1); c.1105-8C>G (NM_001303433.2).
Identifiers: ClinVar variation 402886 (VCV000402886.6), dbSNP rs2274257, ClinGen allele CA919305.